The following is an entry in ClinVar:

NM_004304.5(ALK):c.1882A>G (p.Ile628Val)

Gene: ALK (ALK receptor tyrosine kinase; minus strand). Cytogenetic location: 2p23.2.
Variant type: single nucleotide variant.
Coding change: c.1882A>G on transcript NM_004304.5 (MANE Select); coding-DNA position 1882, A replaced by G.
Protein change: p.Ile628Val; replaces isoleucine 628 with valine.
Molecular consequence: missense variant.
Genome position (GRCh38, 1-based): chr2:29,275,432, T>C on the plus strand (A>G on the coding strand, the complement: ALK is on the minus strand). VCF-style: chr2-29275432-T-C. GRCh37 (hg19) VCF-style: chr2-29498298-T-C.
Other names: short protein forms I628V.
Identifiers: ClinVar variation 1013961 (VCV001013961.12), dbSNP rs775145742, ClinGen allele CA1594501.

ClinVar aggregate classification (germline): Uncertain significance. Review status: criteria provided, multiple submitters, no conflicts (2 of 4 stars). 2 submissions from 2 submitters: Uncertain significance (2). Last evaluated 2025-12-20.

Conditions:
Neuroblastoma, susceptibility to, 3. Also called: ALK-Related Neuroblastic Tumor Susceptibility. Identifiers: Orphanet 635, MedGen C2751681, MONDO:0013083, OMIM 613014.
Hereditary cancer-predisposing syndrome. Also called: Tumor predisposition; Hereditary Cancer Syndrome; Neoplastic Syndromes, Hereditary; Hereditary neoplastic syndrome. Identifiers: Orphanet 140162, MedGen C0027672, MeSH D009386, MONDO:0015356.

Allele frequency attached by ClinVar (database versions not stated): gnomAD 0.00001; gnomAD exomes 0.00001 and 0.00002; ExAC 0.00002; TOPMed 0.00002.
gnomAD v4.1: 4 of 1,613,920 alleles (0.00025%); highest among the groups gnomAD compares: Admixed American, 0.0067%; no homozygotes.

Submissions (2):

Labcorp Genetics (formerly Invitae), Labcorp
Classification: Uncertain significance for Neuroblastoma, susceptibility to, 3. Last evaluated: 2025-12-20. Review status: criteria provided, single submitter. Criteria: Invitae Variant Classification Sherloc (09022015). Collection method: clinical testing. Allele origin: germline.
Comment: This sequence change replaces isoleucine, which is neutral and non-polar, with valine, which is neutral and non-polar, at codon 628 of the ALK protein (p.Ile628Val). This variant is present in population databases (rs775145742, gnomAD 0.01%). This variant has not been reported in the literature in individuals affected with ALK-related conditions. ClinVar contains an entry for this variant (Variation ID: 1013961). An algorithm developed to predict the effect of missense changes on protein structure and function outputs the following: PolyPhen-2: "Benign". The valine amino acid residue is found in multiple mammalian species, which suggests that this missense change does not adversely affect protein function. In summary, the available evidence is currently insufficient to determine the role of this variant in disease. Therefore, it has been classified as a Variant of Uncertain Significance.

Ambry Genetics
Classification: Uncertain significance for Hereditary cancer-predisposing syndrome. Last evaluated: 2024-11-03. Review status: criteria provided, single submitter. Criteria: Ambry Variant Classification Scheme 2023. Collection method: clinical testing. Allele origin: germline.
Comment: The p.I628V variant (also known as c.1882A>G), located in coding exon 10 of the ALK gene, results from an A to G substitution at nucleotide position 1882. The isoleucine at codon 628 is replaced by valine, an amino acid with highly similar properties. This amino acid position is conserved. In addition, this alteration is predicted to be tolerated by in silico analysis. Since supporting evidence is limited at this time, the clinical significance of this alteration remains unclear.